The following is an entry in ClinVar:

ClinVar aggregate classification (germline): Uncertain significance. Review status: criteria provided, multiple submitters, no conflicts (2 of 4 stars). 3 submissions from 3 submitters: Uncertain significance (3). Last evaluated 2021-04-12.

Conditions:
Breast and/or ovarian cancer. Identifiers: MedGen CN221562.
Hereditary cancer-predisposing syndrome. Also called: Hereditary Cancer Syndrome; Neoplastic Syndromes, Hereditary; Hereditary neoplastic syndrome; Tumor predisposition. Identifiers: Orphanet 140162, MedGen C0027672, MeSH D009386, MONDO:0015356.

Submissions (4):

GeneDx
Classification: Uncertain significance. Last evaluated: 2021-04-12. Review status: criteria provided, single submitter. Criteria: GeneDx Variant Classification Process June 2021. Collection method: clinical testing. Allele origin: germline. Affected: yes.
Comment: Not observed in large population cohorts (Lek et al., 2016); In silico analysis supports that this missense variant has a deleterious effect on protein structure/function; Also known as 361A>T; Published functional studies demonstrate no damaging effect: variant classified as functional based on a saturation genome editing (SGE) assay measuring cell survival (Findlay 2018); This variant is associated with the following publications: (PMID: 30209399)

Color Diagnostics, LLC DBA Color Health
Classification: Uncertain significance for Hereditary cancer-predisposing syndrome. Last evaluated: 2019-04-30. Review status: criteria provided, single submitter. Criteria: ACMG Guidelines, 2015. Collection method: clinical testing. Allele origin: germline.

CHEO Genetics Diagnostic Laboratory, Children's Hospital of Eastern Ontario
Classification: Uncertain significance for Breast and/or ovarian cancer. Last evaluated: 2015-09-30. Review status: criteria provided, single submitter. Criteria: ACMG Guidelines, 2015. Collection method: clinical testing. Allele origin: germline. Study: Canadian Open Genetics Repository.

Brotman Baty Institute, University of Washington
No classification provided (evidence only). Condition: Breast-ovarian cancer, familial 1. Review status: no classification provided. Collection method: in vitro. Allele origin: not applicable. Functional consequence: functionally_normal. Not counted in ClinVar's aggregate classification.
ClinVar note: "not provided" was previously submitted as the classification for the variant. However, the classification appeared to be based only on an observation of functional data so it was converted to no classification on 2025-07-30.

NM_007294.4(BRCA1):c.242A>T (p.Gln81Leu)

Gene: BRCA1 (BRCA1 DNA repair associated; minus strand). Cytogenetic location: 17q21.31.
Variant type: single nucleotide variant.
Coding change: c.242A>T on transcript NM_007294.4 (MANE Select); coding-DNA position 242, A replaced by T.
Protein change: p.Gln81Leu; replaces glutamine 81 with leucine.
Molecular consequence: missense variant. On other transcripts: non-coding transcript variant (1).
Genome position (GRCh38, 1-based): chr17:43,104,927, T>A on the plus strand (A>T on the coding strand, the complement: BRCA1 is on the minus strand). VCF-style: chr17-43104927-T-A. GRCh37 (hg19) VCF-style: chr17-41256944-T-A.
Other names: c.32A>T, p.Gln11Leu (NM_001407571.1, NM_001407853.1, NM_001407879.1 and 58 more transcripts); c.242A>T, p.Gln81Leu (NM_001407581.1, NM_001407582.1, NM_001407583.1 and 168 more transcripts); c.164A>T, p.Gln55Leu (NM_001407653.1, NM_001407654.1, NM_001407655.1 and 21 more transcripts); c.101A>T, p.Gln34Leu (NM_001407692.1, NM_001407694.1, NM_001407695.1 and 99 more transcripts); c.-140A>T (NM_001407959.1, NM_001407960.1, NM_001407962.1 and 4 more transcripts); c.110A>T, p.Gln37Leu (NM_001408451.1); short protein forms Q81L, Q34L, Q11L, Q37L, Q55L.
Identifiers: ClinVar variation 267217 (VCV000267217.10), dbSNP rs886040862, ClinGen allele CA10590064.